The following is an entry in ClinVar:

ClinVar aggregate classification (germline): Uncertain significance (1 of 4 stars; one submission).

Submission:

GeneDx
Classification: Uncertain significance. Last evaluated: 2025-05-15. Review status: criteria provided, single submitter. Criteria: GeneDx Variant Classification Process June 2021. Collection method: clinical testing. Allele origin: germline. Affected: yes.
Comment: Not observed at significant frequency in large population cohorts (gnomAD); In silico analysis supports that this missense variant has a deleterious effect on protein structure/function; Has not been previously published as pathogenic or benign to our knowledge; This variant is associated with the following publications: (PMID: 12668474)

NM_000540.3(RYR1):c.8755G>A (p.Asp2919Asn)

Gene: RYR1 (ryanodine receptor 1; plus strand). Cytogenetic location: 19q13.2.
Variant type: single nucleotide variant.
Coding change: c.8755G>A on transcript NM_000540.3 (MANE Select); coding-DNA position 8755, G replaced by A.
Protein change: p.Asp2919Asn; replaces aspartic acid 2919 with asparagine.
Molecular consequence: missense variant.
Genome position (GRCh38, 1-based): chr19:38,506,891, G>A. VCF-style: chr19-38506891-G-A. GRCh37 (hg19) VCF-style: chr19-38997531-G-A.
Other names: c.8755G>A, p.Asp2919Asn (NM_001042723.2); short protein forms D2919N.
Identifiers: ClinVar variation 4529990 (VCV004529990.1).